The following is an entry in ClinVar:

NM_031220.4(PITPNM3):c.1030G>T (p.Asp344Tyr)

Gene: PITPNM3 (PITPNM family member 3; minus strand). Cytogenetic location: 17p13.2.
Variant type: single nucleotide variant.
Coding change: c.1030G>T on transcript NM_031220.4 (MANE Select); coding-DNA position 1030, G replaced by T.
Protein change: p.Asp344Tyr; replaces aspartic acid 344 with tyrosine.
Molecular consequence: missense variant.
Genome position (GRCh38, 1-based): chr17:6,477,084, C>A on the plus strand (G>T on the coding strand, the complement: PITPNM3 is on the minus strand). VCF-style: chr17-6477084-C-A. GRCh37 (hg19) VCF-style: chr17-6380404-C-A.
Other names: c.922G>T, p.Asp308Tyr (NM_001165966.2); short protein forms D344Y, D308Y.
Identifiers: ClinVar variation 959152 (VCV000959152.10), dbSNP rs149323286, ClinGen allele CA8329642.
Genomic context (GRCh38, chr17:6,477,084, plus strand): 5'-GCTACCTTGAGAGGAAGGCATGGTGCTGGGTGATGGCCTCGCAGTCATAGGTGGAGGAGT[C>A]GCTCTGTTTCCGCGGCAACGGCCTCTTGGGCTCCTCATCCTCCAACCCACTGGAGATGTC-3'
Protein context (NP_112497.2, residues 334-354): PKRPLPRKQS[Asp344Tyr]SSTYDCEAIT

ClinVar aggregate classification (germline): Uncertain significance. Review status: criteria provided, multiple submitters, no conflicts (2 of 4 stars). 2 submissions from 2 submitters: Uncertain significance (2). Last evaluated 2024-05-27.

Allele frequency attached by ClinVar (database versions not stated): TOPMed 0.00002; ESP Exome Variant Server 0.00008.
gnomAD v4.1: 14 of 1,613,998 alleles (0.00087%); highest among the groups gnomAD compares: Non-Finnish European, 0.0011%; no homozygotes.

Submissions (2):

Labcorp Genetics (formerly Invitae), Labcorp
Classification: Uncertain significance. Last evaluated: 2024-05-27. Review status: criteria provided, single submitter. Criteria: Invitae Variant Classification Sherloc (09022015). Collection method: clinical testing. Allele origin: germline.
Comment: This sequence change replaces aspartic acid, which is acidic and polar, with tyrosine, which is neutral and polar, at codon 344 of the PITPNM3 protein (p.Asp344Tyr). This variant is present in population databases (rs149323286, gnomAD 0.003%). This variant has not been reported in the literature in individuals affected with PITPNM3-related conditions. ClinVar contains an entry for this variant (Variation ID: 959152). Advanced modeling of protein sequence and biophysical properties (such as structural, functional, and spatial information, amino acid conservation, physicochemical variation, residue mobility, and thermodynamic stability) performed at Invitae indicates that this missense variant is not expected to disrupt PITPNM3 protein function with a negative predictive value of 80%. In summary, the available evidence is currently insufficient to determine the role of this variant in disease. Therefore, it has been classified as a Variant of Uncertain Significance.

Blueprint Genetics
Classification: Uncertain significance. Last evaluated: 2021-12-22. Review status: criteria provided, single submitter. Criteria: ACMG Guidelines, 2015. Collection method: clinical testing. Allele origin: germline.